The following is an entry in ClinVar:

ClinVar aggregate classification (germline): Uncertain significance (1 of 4 stars; one submission).

Conditions:
Epidermolysis bullosa simplex 3, localized or generalized intermediate, with BP230 deficiency (EBS3). Also called: Epidermolysis bullosa simplex, autosomal recessive 2; Epidermolysis bullosa simplex due to BP230 deficiency. Identifiers: Orphanet 412181, MedGen C3809470, MONDO:0014180, OMIM 615425.
Hereditary sensory and autonomic neuropathy type 6. Also called: HSAN VI; Neuropathy, hereditary sensory and autonomic, type VI. Identifiers: Orphanet 314381, MedGen C3539003, MONDO:0013839, OMIM 614653.

Allele frequency attached by ClinVar (database versions not stated): gnomAD exomes 0.00001.
gnomAD v4.1: 8 of 1,614,018 alleles (0.0005%); highest among the groups gnomAD compares: Non-Finnish European, 0.00068%; no homozygotes.

Submission:

Labcorp Genetics (formerly Invitae), Labcorp
Classification: Uncertain significance for Epidermolysis bullosa simplex 3, localized or generalized intermediate, with BP230 deficiency; Hereditary sensory and autonomic neuropathy type 6. Last evaluated: 2020-08-30. Review status: criteria provided, single submitter. Criteria: Invitae Variant Classification Sherloc (09022015). Collection method: clinical testing. Allele origin: germline.
Comment: In summary, the available evidence is currently insufficient to determine the role of this variant in disease. Therefore, it has been classified as a Variant of Uncertain Significance. Algorithms developed to predict the effect of missense changes on protein structure and function (SIFT, PolyPhen-2, Align-GVGD) all suggest that this variant is likely to be tolerated, but these predictions have not been confirmed by published functional studies and their clinical significance is uncertain. This variant has not been reported in the literature in individuals with DST-related conditions. This variant is not present in population databases (ExAC no frequency). This sequence change replaces lysine with glutamic acid at codon 1451 of the DST protein (p.Lys1451Glu). The lysine residue is weakly conserved and there is a small physicochemical difference between lysine and glutamic acid.

NM_001723.7(DST):c.4351A>G (p.Lys1451Glu)

Gene: DST (dystonin; minus strand). Cytogenetic location: 6p12.1.
Variant type: single nucleotide variant.
Coding change: c.4351A>G on transcript NM_001723.7 (MANE Plus Clinical); coding-DNA position 4351, A replaced by G.
Protein change: p.Lys1451Glu; replaces lysine 1451 with glutamic acid.
Molecular consequence: missense variant. On other transcripts: intron variant (10).
Genome position (GRCh38, 1-based): chr6:56,619,683, T>C on the plus strand (A>G on the coding strand, the complement: DST is on the minus strand). VCF-style: chr6-56619683-T-C. GRCh37 (hg19) VCF-style: chr6-56484481-T-C.
Other names: c.4929+4847A>G (NM_001374736.1, NM_001374722.1); c.4956+4847A>G (NM_001374734.1); c.4416+4847A>G (NM_001144770.2); c.4296+4847A>G (NM_001374730.1, NM_001386100.1, NM_183380.4 and 1 more transcripts); c.3318+4847A>G (NM_015548.5); c.4830+4847A>G (NM_001144769.5); short protein forms K1451E.
Identifiers: ClinVar variation 1000373 (VCV001000373.9), dbSNP rs2098668150, ClinGen allele CA364569877.